The following is an entry in ClinVar:

ClinVar aggregate classification (germline): Benign. Review status: criteria provided, multiple submitters, no conflicts (2 of 4 stars). 2 submissions from 2 submitters: Benign (2). Last evaluated 2018-09-05.

Conditions:
Bruck syndrome 2 (BRKS2). Also called: OSTEOGENESIS IMPERFECTA WITH CONGENITAL JOINT CONTRACTURES. Identifiers: Orphanet 2771, MedGen C1836602, MONDO:0012217, OMIM 609220.

Allele frequency attached by ClinVar (database versions not stated): gnomAD 0.01911 and 0.02050; TOPMed 0.02180; 1000 Genomes Project 0.02316; 1000 Genomes Project 30x 0.02358.

Submissions (2):

GeneDx
Classification: Benign. Last evaluated: 2018-09-05. Review status: criteria provided, single submitter. Criteria: GeneDx Variant Classification Process June 2021. Collection method: clinical testing. Allele origin: germline. Affected: yes.

Illumina Laboratory Services, Illumina
Classification: Benign for Bruck syndrome 2. Last evaluated: 2018-01-13. Review status: criteria provided, single submitter. Criteria: ICSL Variant Classification Criteria 13 December 2019. Collection method: clinical testing. Allele origin: germline.
Comment: This variant was observed in the ICSL laboratory as part of a predisposition screen in an ostensibly healthy population. It had not been previously curated by ICSL or reported in the Human Gene Mutation Database (HGMD: prior to June 1st, 2018), and was therefore a candidate for classification through an automated scoring system. Utilizing variant allele frequency, disease prevalence and penetrance estimates, and inheritance mode, an automated score was calculated to assess if this variant is too frequent to cause the disease. Based on the score and internal cut-off values, a variant classified as benign is not then subjected to further curation. The score for this variant resulted in a classification of benign for this disease.

NM_000935.2(PLOD2):c.-412C>T

Gene: PLOD2 (procollagen-lysine,2-oxoglutarate 5-dioxygenase 2; minus strand). Cytogenetic location: 3q24.
Variant type: single nucleotide variant.
Coding change: c.-412C>T on transcript NM_000935.2; 412 bases upstream of the start codon, C replaced by T.
Genome position (GRCh38, 1-based): chr3:146,161,401, G>A on the plus strand (C>T on the coding strand, the complement: PLOD2 is on the minus strand). VCF-style: chr3-146161401-G-A. GRCh37 (hg19) VCF-style: chr3-145879188-G-A.
Identifiers: ClinVar variation 343659 (VCV000343659.9), dbSNP rs79723478, ClinGen allele CA10615049.
Genomic context (GRCh38, chr3:146,161,401, plus strand): 5'-TGCTCAGCGCGGACGCTATTTAAGGAGCTGCCTGCGGCTACGTGTGGAGGCTCACGCAGC[G>A]CTTCTGGCTGGAACGGGGAAGCCTGCACTTAGCTTTGGGAGTGGGTTTGGGAGAGGGAGG-3'